The following is an entry in ClinVar:

ClinVar aggregate classification (germline): Pathogenic/Likely pathogenic. Review status: criteria provided, multiple submitters, no conflicts (2 of 4 stars). 2 submissions from 2 submitters: Pathogenic (1); Likely pathogenic (1). Last evaluated 2026-09-17.

Conditions:
Atypical hemolytic-uremic syndrome. Identifiers: Orphanet 2134, MedGen C2931788, MONDO:0016244.
Age related macular degeneration 4. Identifiers: MedGen C1853147, MONDO:0012540, OMIM 610698.
Basal laminar drusen. Also called: DRUSEN OF BRUCH MEMBRANE; DRUSEN, CUTICULAR; DRUSEN, EARLY ADULT-ONSET, GROUPED. Identifiers: Orphanet 75376, MedGen C0730295, MONDO:0007472, OMIM 126700.
Factor H deficiency (CFHD). Also called: COMPLEMENT FACTOR H DEFICIENCY; CFH DEFICIENCY. Identifiers: Orphanet 200421, MedGen C0398777, MONDO:0012350, OMIM 609814.

Submissions (2):

Genomenon, Inc
Classification: Likely pathogenic for Age related macular degeneration 4; Atypical hemolytic-uremic syndrome; Factor H deficiency; Basal laminar drusen. Last evaluated: 2026-09-17. Review status: criteria provided, single submitter. Criteria: Genomenon Sequence Variant Interpretation Standards - Updated. Collection method: curation. Allele origin: germline. Affected: no.
Comment: CFH p.Cys611Ter (c.1833C>A) is a nonsense variant that introduces a premature stop codon at amino acid position 611 and is predicted to result in a truncated or absent protein product. This variant has been reported in the published literature (PMID: 34912830). It is absent or not present at a significant frequency in gnomAD. In conclusion, we classify CFH p.Cys611Ter (c.1833C>A) as a likely pathogenic variant.

Labcorp Genetics (formerly Invitae), Labcorp
Classification: Pathogenic. Last evaluated: 2025-09-21. Review status: criteria provided, single submitter. Criteria: Invitae Variant Classification Sherloc (09022015). Collection method: clinical testing. Allele origin: germline.
Comment: This sequence change creates a premature translational stop signal (p.Cys611*) in the CFH gene. It is expected to result in an absent or disrupted protein product. Loss-of-function variants in CFH are known to be pathogenic (PMID: 11170896, 14978182, 16621965, 23870792, 25188723). This variant is not present in population databases (gnomAD no frequency). This variant has not been reported in the literature in individuals affected with CFH-related conditions. Algorithms developed to predict the effect of sequence changes on RNA splicing suggest that this variant may disrupt the consensus splice site. For these reasons, this variant has been classified as Pathogenic.

Literature cited by the submitters: PubMed 34912830 (cited by Genomenon, Inc); PubMed 11170896 (cited by Labcorp Genetics (formerly Invitae), Labcorp); PubMed 14978182 (cited by Labcorp Genetics (formerly Invitae), Labcorp); PubMed 16621965 (cited by Labcorp Genetics (formerly Invitae), Labcorp); PubMed 23870792 (cited by Labcorp Genetics (formerly Invitae), Labcorp); PubMed 25188723 (cited by Labcorp Genetics (formerly Invitae), Labcorp).

NM_000186.4(CFH):c.1833C>A (p.Cys611Ter)

Gene: CFH (complement factor H; plus strand). Cytogenetic location: 1q31.3.
Variant type: single nucleotide variant.
Coding change: c.1833C>A on transcript NM_000186.4 (MANE Select); coding-DNA position 1833, C replaced by A.
Protein change: p.Cys611Ter; replaces cysteine 611 with a stop codon.
Molecular consequence: nonsense.
Genome position (GRCh38, 1-based): chr1:196,725,257, C>A. VCF-style: chr1-196725257-C-A. GRCh37 (hg19) VCF-style: chr1-196694387-C-A.
Other names: short protein forms C611*.
Identifiers: ClinVar variation 4291426 (VCV004291426.3).